The following is an entry in ClinVar:

NM_006514.4(SCN10A):c.662G>C (p.Arg221Thr)

Gene: SCN10A (sodium voltage-gated channel alpha subunit 10; minus strand). Cytogenetic location: 3p22.2.
Variant type: single nucleotide variant.
Coding change: c.662G>C on transcript NM_006514.4 (MANE Select); coding-DNA position 662, G replaced by C.
Protein change: p.Arg221Thr; replaces arginine 221 with threonine.
Molecular consequence: missense variant.
Genome position (GRCh38, 1-based): chr3:38,763,534, C>G on the plus strand (G>C on the coding strand, the complement: SCN10A is on the minus strand). VCF-style: chr3-38763534-C-G. GRCh37 (hg19) VCF-style: chr3-38805025-C-G.
Other names: c.662G>C, p.Arg221Thr (NM_001293306.2, NM_001293307.2); short protein forms R221T.
Identifiers: ClinVar variation 3316512 (VCV003316512.1).

ClinVar aggregate classification (germline): Uncertain significance (1 of 4 stars; one submission).

Conditions:
Cardiovascular phenotype. Identifiers: MedGen CN230736.

Submission:

Ambry Genetics
Classification: Uncertain significance for Cardiovascular phenotype. Last evaluated: 2024-04-18. Review status: criteria provided, single submitter. Criteria: Ambry Variant Classification Scheme 2023. Collection method: clinical testing. Allele origin: germline.
Comment: The p.R221T variant (also known as c.662G>C), located in coding exon 5 of the SCN10A gene, results from a G to C substitution at nucleotide position 662. The arginine at codon 221 is replaced by threonine, an amino acid with similar properties. This amino acid position is conserved. In addition, this alteration is predicted to be deleterious by in silico analysis. Based on the available evidence, the clinical significance of this variant remains unclear.